The following is an entry in ClinVar:

ClinVar aggregate classification (germline): Likely benign. Review status: criteria provided, multiple submitters, no conflicts (2 of 4 stars). 2 submissions from 2 submitters: Likely benign (2). Last evaluated 2018-01-12.

Conditions:
Cone-rod dystrophy 15 (CORD15). Identifiers: MedGen C3150912, MONDO:0013348, OMIM 613660.

Allele frequency attached by ClinVar (database versions not stated): gnomAD exomes 0.00008; gnomAD 0.00046 and 0.00070; TOPMed 0.00137; 1000 Genomes Project 30x 0.00359; 1000 Genomes Project 0.00459.
gnomAD v4.1: 187 of 985,490 alleles (0.019%); highest among the groups gnomAD compares: East Asian, 1.7%; 1 homozygote.

Submissions (2):

Illumina Laboratory Services, Illumina
Classification: Likely benign for Cone-rod dystrophy 15. Last evaluated: 2018-01-12. Review status: criteria provided, single submitter. Criteria: ICSL Variant Classification Criteria 13 December 2019. Collection method: clinical testing. Allele origin: germline.
Comment: This variant was observed in the ICSL laboratory as part of a predisposition screen in an ostensibly healthy population. It had not been previously curated by ICSL or reported in the Human Gene Mutation Database (HGMD: prior to June 1st, 2018), and was therefore a candidate for classification through an automated scoring system. Utilizing variant allele frequency, disease prevalence and penetrance estimates, and inheritance mode, an automated score was calculated to assess if this variant is too frequent to cause the disease. Based on the score and internal cut-off values, a variant classified as likely benign is not then subjected to further curation. The score for this variant resulted in a classification of likely benign for this disease.

Breakthrough Genomics
Classification: Likely benign. Review status: criteria provided, single submitter. Criteria: ACMG Guidelines, 2015. Collection method: not provided. Allele origin: germline. Inheritance: Autosomal recessive inheritance. Affected: yes.

NM_033100.4(CDHR1):c.*2226C>T

Gene: CDHR1 (cadherin related family member 1; plus strand). Cytogenetic location: 10q23.1.
Variant type: single nucleotide variant.
Coding change: c.*2226C>T on transcript NM_033100.4 (MANE Select); 2226 bases downstream of the stop codon, C replaced by T.
Molecular consequence: 3 prime UTR variant. On other transcripts: intron variant (1).
Genome position (GRCh38, 1-based): chr10:84,216,847, C>T. VCF-style: chr10-84216847-C-T. GRCh37 (hg19) VCF-style: chr10-85976603-C-T.
Other names: c.2041-2232C>T (NM_001171971.3).
Identifiers: ClinVar variation 301304 (VCV000301304.6), dbSNP rs74584525, ClinGen allele CA10632658.